The following is an entry in ClinVar:

ClinVar aggregate classification (germline): Pathogenic. Review status: reviewed by expert panel (3 of 4 stars). 4 submissions from 4 submitters: Pathogenic (1). 3 of the submissions do not count toward it. Last evaluated 2017-12-15.

Conditions:
Hereditary breast ovarian cancer syndrome. Also called: Breast and ovarian cancer; BRCA1- and BRCA2-Associated Hereditary Breast and Ovarian Cancer; Hereditary breast and ovarian cancer; Hereditary breast and/or ovarian cancer syndrome; Hereditary breast and ovarian cancer syndrome; Hereditary breast and ovarian cancer syndrome (HBOC). Identifiers: Orphanet 145, MedGen C0677776, MeSH D061325, MONDO:0003582. Disease mechanism: loss of function.
Hereditary cancer-predisposing syndrome. Also called: Neoplastic Syndromes, Hereditary; Tumor predisposition; Hereditary neoplastic syndrome; Hereditary Cancer Syndrome. Identifiers: Orphanet 140162, MedGen C0027672, MeSH D009386, MONDO:0015356.
Breast-ovarian cancer, familial, susceptibility to, 2 (BROVCA2). Also called: BRCA2 Hereditary Breast and Ovarian Cancer. Identifiers: Orphanet 145, MedGen C2675520, MONDO:0012933, OMIM 612555. Disease mechanism: loss of function.

Submissions (4):

Evidence-based Network for the Interpretation of Germline Mutant Alleles (ENIGMA)
Classification: Pathogenic for Breast-ovarian cancer, familial, susceptibility to, 2. Last evaluated: 2017-12-15. Review status: reviewed by expert panel. Criteria: ENIGMA BRCA1/2 Classification Criteria (2017-06-29). Collection method: curation. Allele origin: germline. Study: ENIGMA.
Comment: Variant allele predicted to encode a truncated non-functional protein.

Ambry Genetics
Classification: Pathogenic for Hereditary cancer-predisposing syndrome. Last evaluated: 2026-03-05. Review status: criteria provided, single submitter. Criteria: Ambry Variant Classification Scheme 2023. Collection method: clinical testing. Allele origin: germline. Not counted in ClinVar's aggregate classification.
Comment: The c.1192delC pathogenic mutation, located in coding exon 9 of the BRCA2 gene, results from a deletion of one nucleotide at nucleotide position 1192, causing a translational frameshift with a predicted alternate stop codon (p.L398*). This alteration is expected to result in loss of function by premature protein truncation or nonsense-mediated mRNA decay. This variant is considered to be rare based on population cohorts in the Genome Aggregation Database (gnomAD). As such, this alteration is interpreted as a disease-causing mutation.

Labcorp Genetics (formerly Invitae), Labcorp
Classification: Pathogenic for Hereditary breast ovarian cancer syndrome. Last evaluated: 2021-07-17. Review status: criteria provided, single submitter. Criteria: Invitae Variant Classification Sherloc (09022015). Collection method: clinical testing. Allele origin: germline. Not counted in ClinVar's aggregate classification.
Comment: For these reasons, this variant has been classified as Pathogenic. While this particular variant has not been reported in the literature, loss-of-function variants in BRCA2 are known to be pathogenic (PMID: 20104584). This sequence change deletes 1 nucleotide from exon 10 of the BRCA2 mRNA (c.1192delC), causing a frameshift at codon 398. This creates a premature translational stop signal (p.Leu398*) and is expected to result in an absent or disrupted protein product.

Laboratory for Molecular Medicine, Mass General Brigham Personalized Medicine
Classification: Pathogenic for Hereditary breast ovarian cancer syndrome. Last evaluated: 2016-08-15. Review status: criteria provided, single submitter. Criteria: LMM Criteria. Collection method: clinical testing. Allele origin: germline. Inheritance: Autosomal dominant inheritance. Observed: 1 variant allele. Not counted in ClinVar's aggregate classification.
Comment: The p.Leu398X variant in BRCA2 has not been previously reported in individuals w ith hereditary breast and ovarian cancer (HBOC) or in large population studies, though the ability of these studies to accurately detect indels may be limited. This nonsense variant leads to a premature termination codon at position 398, wh ich is predicted to lead to a truncated or absent protein. Heterozygous loss of function of the BRCA2 gene is an established disease mechanism in HBOC. In summa ry, this variant meets criteria to be classified as pathogenic for HBOC in an au tosomal dominant manner based upon the predicted impact to the protein.

Literature cited by the submitters: PubMed 20104584 (cited by Labcorp Genetics (formerly Invitae), Labcorp).

NM_000059.4(BRCA2):c.1192del (p.Gln397_Leu398insTer)

Gene: BRCA2 (BRCA2 DNA repair associated; plus strand). Cytogenetic location: 13q13.1.
Variant type: Deletion.
Coding change: c.1192del on transcript NM_000059.4 (MANE Select); coding-DNA position 1192, one base deleted (C; older notation c.1192delC).
Protein change: p.Gln397_Leu398insTer.
Molecular consequence: nonsense.
Genome position (GRCh38, 1-based): chr13:32,332,670, C deleted. VCF-style (leftmost placement, unchanged base first): chr13-32332669-AC-A. GRCh37 (hg19) VCF-style: chr13-32906806-AC-A.
Other names: c.1192delC (NM_000059.3).
Identifiers: ClinVar variation 409454 (VCV000409454.15), dbSNP rs1060502403, ClinGen allele CA16614105.
Genomic context (GRCh38, chr13:32,332,669, plus strand): 5'-GAGTGGAAGTGACAAAATCTCCAAGGAAGTTGTACCGTCTTTGGCCTGTGAATGGTCTCA[AC>A]TAACCCTTTCAGGTCTAAATGGAGCCCAGATGGAGAAAATACCCCTATTGCATATTTCTT-3'